The following is an entry in ClinVar:

ClinVar aggregate classification (germline): Pathogenic/Likely pathogenic. Review status: criteria provided, multiple submitters, no conflicts (2 of 4 stars). 6 submissions from 6 submitters: Pathogenic (2); Likely pathogenic (3). 1 of the submissions does not count toward it. Last evaluated 2024-11-19.

Conditions:
Leber congenital amaurosis 2 (LCA2). Also called: Autosomal Recessive RPE65-Related Retinal Degeneration; AMAUROSIS CONGENITA OF LEBER II. Identifiers: Orphanet 65, MedGen C1859844, MONDO:0008765, OMIM 204100. Disease mechanism: loss of function.
Retinitis pigmentosa 20 (RP20). Identifiers: Orphanet 791, MedGen C3151086, MONDO:0013425, OMIM 613794.
Leber congenital amaurosis (LCA). Also called: Leber's amaurosis. Identifiers: Orphanet 65, MedGen C0339527, MeSH D057130, MONDO:0018998.

Allele frequency attached by ClinVar (database versions not stated): gnomAD exomes below 0.00001; gnomAD 0.00001.
gnomAD v4.1: 2 of 1,613,852 alleles (0.00012%); highest among the groups gnomAD compares: African/African-American, 0.0027%; no homozygotes.

Submissions (6):

Natera, Inc.
Classification: Likely pathogenic for Leber congenital amaurosis. Last evaluated: 2024-11-19. Review status: criteria provided, single submitter. Criteria: Natera Variant Classification Schema (03/2026). Collection method: clinical testing. Allele origin: germline.
Comment: The c.1223T>C variant in RPE65 is a missense variant predicted to cause substitution of leucine to proline at amino acid 408. This variant is rare in the general population with a frequency below the threshold expected for the associated phenotype(s). This variant has been observed in one or more individuals affected with the associated recessive disease, as either homozygous or compound heterozygous with a second variant (PMID: 17848510, 26364624). Functional studies show that this variant may disrupt protein function (PMID: 24849605). Computational prediction algorithms indicate this variant is likely to affect gene or protein function. Given the available evidence, this variant is classified as Likely Pathogenic.

Labcorp Genetics (formerly Invitae), Labcorp
Classification: Pathogenic for Leber congenital amaurosis 2; Retinitis pigmentosa 20. Last evaluated: 2024-01-17. Review status: criteria provided, single submitter. Criteria: Invitae Variant Classification Sherloc (09022015). Collection method: clinical testing. Allele origin: germline.
Comment: This sequence change replaces leucine, which is neutral and non-polar, with proline, which is neutral and non-polar, at codon 408 of the RPE65 protein (p.Leu408Pro). This variant is not present in population databases (gnomAD no frequency). This missense change has been observed in individuals with RPE65-related retinal dystrophy (PMID: 19431183, 26364624; Invitae). ClinVar contains an entry for this variant (Variation ID: 98834). Advanced modeling of protein sequence and biophysical properties (such as structural, functional, and spatial information, amino acid conservation, physicochemical variation, residue mobility, and thermodynamic stability) has been performed at Invitae for this missense variant, however the output from this modeling did not meet the statistical confidence thresholds required to predict the impact of this variant on RPE65 protein function. Experimental studies have shown that this missense change affects RPE65 function (PMID: 19431183, 24849605, 26427455). For these reasons, this variant has been classified as Pathogenic.

Baylor Genetics
Classification: Pathogenic for Leber congenital amaurosis 2. Last evaluated: 2023-11-11. Review status: criteria provided, single submitter. Criteria: ACMG Guidelines, 2015. Collection method: clinical testing. Allele origin: unknown.

Women's Health and Genetics/Laboratory Corporation of America, LabCorp
Classification: Likely pathogenic for Leber congenital amaurosis. Last evaluated: 2022-12-23. Review status: criteria provided, single submitter. Criteria: LabCorp Variant Classification Summary - May 2015. Collection method: clinical testing. Allele origin: germline.
Comment: Variant summary: RPE65 c.1223T>C (p.Leu408Pro) results in a non-conservative amino acid change in the encoded protein sequence. Five of five in-silico tools predict a damaging effect of the variant on protein function. The variant was absent in 250850 control chromosomes. c.1223T>C has been reported in the literature in at-least one individual affected with Leber Congenital Amaurosis (example, Stone_2007, Philp_2009). These data indicate that the variant may be associated with disease. At least one publication reports experimental evidence evaluating an impact on protein function. The most pronounced variant effect results in <6% of normal RPE65 Isomerohydrolase activity in vitro (Philp_2009). Two clinical diagnostic laboratories have submitted clinical-significance assessments for this variant to ClinVar after 2014 without evidence for independent evaluation. All laboratories classified the variant as likely pathogenic. Based on the evidence outlined above, the variant was classified as likely pathogenic.

SIB Swiss Institute of Bioinformatics
Classification: Likely pathogenic for Leber congenital amaurosis 2. Last evaluated: 2020-02-14. Review status: criteria provided, single submitter. Criteria: ACMG Guidelines, 2015. Collection method: curation. Allele origin: unknown.
Comment: This variant is interpreted as likely pathogenic for Leber congenital amaurosis 2, autosomal recessive. The following ACMG Tag(s) were applied: PM2, PP3, PS3.

Retina International
No classification provided. Review status: no classification provided. Collection method: not provided. Allele origin: not provided. Not counted in ClinVar's aggregate classification.

Literature cited by the submitters: PubMed 17848510 (cited by Natera, Inc.); PubMed 26364624 (cited by Natera, Inc. and Labcorp Genetics (formerly Invitae), Labcorp); PubMed 24849605 (cited by 3 submitters); PubMed 19431183 (cited by 3 submitters); PubMed 26427455 (cited by Labcorp Genetics (formerly Invitae), Labcorp); PubMed 17964524 (cited by Women's Health and Genetics/Laboratory Corporation of America, LabCorp and SIB Swiss Institute of Bioinformatics); PubMed 25752820 (cited by Women's Health and Genetics/Laboratory Corporation of America, LabCorp).

NM_000329.3(RPE65):c.1223T>C (p.Leu408Pro)

Gene: RPE65 (retinoid isomerohydrolase RPE65; minus strand). Cytogenetic location: 1p31.3.
Variant type: single nucleotide variant.
Coding change: c.1223T>C on transcript NM_000329.3 (MANE Select); coding-DNA position 1223, T replaced by C.
Protein change: p.Leu408Pro; replaces leucine 408 with proline.
Molecular consequence: missense variant.
Genome position (GRCh38, 1-based): chr1:68,431,491, A>G on the plus strand (T>C on the coding strand, the complement: RPE65 is on the minus strand). VCF-style: chr1-68431491-A-G. GRCh37 (hg19) VCF-style: chr1-68897174-A-G.
Other names: short protein forms L408P.
Identifiers: ClinVar variation 98834 (VCV000098834.14), dbSNP rs62636298, ClinGen allele CA226497.